The following is an entry in ClinVar:

ClinVar aggregate classification (germline): Conflicting classifications of pathogenicity. Review status: criteria provided, conflicting classifications (1 of 4 stars). 4 submissions from 4 submitters: Uncertain significance (3); Likely benign (1). Last evaluated 2026-07-27.

Conditions:
Hypertrophic cardiomyopathy 26. Also called: Cardiomyopathy, familial hypertrophic, 26. Identifiers: Orphanet 75249, MedGen C4310749, MONDO:0014883, OMIM 617047.
Distal myopathy with posterior leg and anterior hand involvement. Also called: WILLIAMS DISTAL MYOPATHY. Identifiers: Orphanet 63273, MedGen C3279722, MONDO:0013550, OMIM 614065.
Myofibrillar myopathy 5. Also called: Filaminopathy (type); FILAMINOPATHY, AUTOSOMAL DOMINANT. Identifiers: Orphanet 171445, MedGen C1836050, MONDO:0012289, OMIM 609524.
FLNC-related disorder. Also called: FLNC-related condition; FLNC-related disorders.
Cardiovascular phenotype. Identifiers: MedGen CN230736.

Allele frequency attached by ClinVar (database versions not stated): ESP Exome Variant Server 0.00008; 1000 Genomes Project 30x 0.00031; 1000 Genomes Project 0.00040; TOPMed 0.00001; gnomAD exomes 0.00002; ExAC 0.00004.

Submissions (4):

PreventionGenetics, part of Exact Sciences
Classification: Uncertain significance for FLNC-related condition. Last evaluated: 2026-07-27. Review status: criteria provided, single submitter. Criteria: ACMG Guidelines, 2015. Collection method: clinical testing. Allele origin: germline.
Comment: The FLNC c.1372C>T variant is predicted to result in the amino acid substitution p.Pro458Ser. To our knowledge, this variant has not been reported in the literature. This variant is reported in 0.0065% of alleles in individuals of South Asian descent in gnomAD. At this time, the clinical significance of this variant is uncertain due to the absence of conclusive functional and genetic evidence.

Ambry Genetics
Classification: Uncertain significance for Cardiovascular phenotype. Last evaluated: 2025-07-03. Review status: criteria provided, single submitter. Criteria: Ambry Variant Classification Scheme 2023. Collection method: clinical testing. Allele origin: germline.

Labcorp Genetics (formerly Invitae), Labcorp
Classification: Likely benign for Distal myopathy with posterior leg and anterior hand involvement; Myofibrillar myopathy 5; Hypertrophic cardiomyopathy 26. Last evaluated: 2025-06-09. Review status: criteria provided, single submitter. Criteria: Invitae Variant Classification Sherloc (09022015). Collection method: clinical testing. Allele origin: germline.

Revvity Omics, Revvity
Classification: Uncertain significance. Last evaluated: 2021-12-12. Review status: criteria provided, single submitter. Criteria: ACMG Guidelines, 2015. Collection method: clinical testing. Allele origin: germline.

NM_001458.5(FLNC):c.1372C>T (p.Pro458Ser)

Gene: FLNC (filamin C; plus strand). Cytogenetic location: 7q32.1.
Variant type: single nucleotide variant.
Coding change: c.1372C>T on transcript NM_001458.5 (MANE Select); coding-DNA position 1372, C replaced by T.
Protein change: p.Pro458Ser; replaces proline 458 with serine.
Molecular consequence: missense variant.
Genome position (GRCh38, 1-based): chr7:128,838,764, C>T. VCF-style: chr7-128838764-C-T. GRCh37 (hg19) VCF-style: chr7-128478818-C-T.
Other names: c.1372C>T, p.Pro458Ser (NM_001127487.2); short protein forms P458S.
Identifiers: ClinVar variation 583241 (VCV000583241.15), dbSNP rs369747694, ClinGen allele CA4474310.